The following is an entry in ClinVar:

ClinVar aggregate classification (germline): Uncertain significance (0 of 4 stars; one submission).

Conditions:
SAMD9-related disorder. Also called: SAMD9-related condition.

Submission:

PreventionGenetics, part of Exact Sciences
Classification: Uncertain significance for SAMD9-related condition. Last evaluated: 2023-12-20. Review status: no assertion criteria provided. Collection method: clinical testing. Allele origin: germline.
Comment: The SAMD9 c.2102A>G variant is predicted to result in the amino acid substitution p.Tyr701Cys. To our knowledge, this variant has not been reported in the literature or in a large population database, indicating this variant is rare. At this time, the clinical significance of this variant is uncertain due to the absence of conclusive functional and genetic evidence.

NM_017654.4(SAMD9):c.2102A>G (p.Tyr701Cys)

Gene: SAMD9 (sterile alpha motif domain containing 9; minus strand). Cytogenetic location: 7q21.2.
Variant type: single nucleotide variant.
Coding change: c.2102A>G on transcript NM_017654.4 (MANE Select); coding-DNA position 2102, A replaced by G.
Protein change: p.Tyr701Cys; replaces tyrosine 701 with cysteine.
Molecular consequence: missense variant.
Genome position (GRCh38, 1-based): chr7:93,103,996, T>C on the plus strand (A>G on the coding strand, the complement: SAMD9 is on the minus strand). VCF-style: chr7-93103996-T-C. GRCh37 (hg19) VCF-style: chr7-92733309-T-C.
Other names: c.2102A>G, p.Tyr701Cys (NM_001193307.2); short protein forms Y701C.
Identifiers: ClinVar variation 3033211 (VCV003033211.2), dbSNP rs2535359036, ClinGen allele CA368193144.